The following is an entry in ClinVar:

NM_001130144.3(LTBP3):c.2854G>A (p.Asp952Asn)

Genes: LTBP3 (latent transforming growth factor beta binding protein 3; minus strand), LOC130006028 (ATAC-STARR-seq lymphoblastoid active region 4987; plus strand). Cytogenetic location: 11q13.1.
Variant type: single nucleotide variant.
Coding change: c.2854G>A on transcript NM_001130144.3 (MANE Select); coding-DNA position 2854, G replaced by A.
Protein change: p.Asp952Asn; replaces aspartic acid 952 with asparagine.
Molecular consequence: missense variant.
Genome position (GRCh38, 1-based): chr11:65,541,165, C>T on the plus strand (G>A on the coding strand, the complement: LTBP3 is on the minus strand). VCF-style: chr11-65541165-C-T. GRCh37 (hg19) VCF-style: chr11-65308636-C-T.
Other names: c.2503G>A, p.Asp835Asn (NM_001164266.1); c.2854G>A, p.Asp952Asn (NM_021070.4); short protein forms D835N, D952N.
Identifiers: ClinVar variation 1411235 (VCV001411235.8), dbSNP rs756826691, ClinGen allele CA6100468.

ClinVar aggregate classification (germline): Uncertain significance (1 of 4 stars; one submission).

Conditions:
Brachyolmia-amelogenesis imperfecta syndrome. Also called: PLATYSPONDYLY WITH AMELOGENESIS IMPERFECTA; Tooth agenesis, selective, 6; Dental anomalies and short stature. Identifiers: Orphanet 2899, MedGen C1832594, MONDO:0011018, OMIM 601216. Disease mechanism: loss of function.

Allele frequency attached by ClinVar (database versions not stated): ExAC 0.00001; gnomAD 0.00001; gnomAD exomes 0.00001; TOPMed 0.00002.
gnomAD v4.1: 17 of 1,612,870 alleles (0.0011%); highest among the groups gnomAD compares: Non-Finnish European, 0.0014%; no homozygotes.

Submission:

Labcorp Genetics (formerly Invitae), Labcorp
Classification: Uncertain significance for Brachyolmia-amelogenesis imperfecta syndrome. Last evaluated: 2025-08-13. Review status: criteria provided, single submitter. Criteria: Invitae Variant Classification Sherloc (09022015). Collection method: clinical testing. Allele origin: germline.
Comment: This sequence change replaces aspartic acid, which is acidic and polar, with asparagine, which is neutral and polar, at codon 952 of the LTBP3 protein (p.Asp952Asn). This variant is present in population databases (rs756826691, gnomAD 0.004%). This variant has not been reported in the literature in individuals affected with LTBP3-related conditions. ClinVar contains an entry for this variant (Variation ID: 1411235). An algorithm developed to predict the effect of missense changes on protein structure and function (PolyPhen-2) suggests that this variant is likely to be disruptive. In summary, the available evidence is currently insufficient to determine the role of this variant in disease. Therefore, it has been classified as a Variant of Uncertain Significance.